The following is an entry in ClinVar:

NM_182961.4(SYNE1):c.888+141G>A

Gene: SYNE1 (spectrin repeat containing nuclear envelope protein 1; minus strand). Cytogenetic location: 6q25.2.
Variant type: single nucleotide variant.
Coding change: c.888+141G>A on transcript NM_182961.4 (MANE Select); 141 bases into the intron after coding-DNA position 888, G replaced by A.
Molecular consequence: intron variant.
Genome position (GRCh38, 1-based): chr6:152,502,492, C>T on the plus strand (G>A on the coding strand, the complement: SYNE1 is on the minus strand). VCF-style: chr6-152502492-C-T. GRCh37 (hg19) VCF-style: chr6-152823627-C-T.
Other names: NC_000006.11:g.152823627C>T; c.909+141G>A (NM_033071.5).
Identifiers: ClinVar variation 674758 (VCV000674758.2), dbSNP rs56207224, ClinGen allele CA150236161.
Genomic context (GRCh38, chr6:152,502,492, plus strand): 5'-ATGCTTTCTCTAATATATCCAACATACAAACCAGAAAAACCCTTTCCTCTAATCATCACC[C>T]CATTTGGTGATAGCTTTTTAAAATCAGTTGGTCTCATATTAAAATGCATTCAAATTTAAT-3'

ClinVar aggregate classification (germline): Benign (1 of 4 stars; one submission).

Allele frequency attached by ClinVar (database versions not stated): 1000 Genomes Project 0.03195; 1000 Genomes Project 30x 0.03232; TOPMed 0.04596; gnomAD 0.04917 and 0.04965.
gnomAD v4.1: 40,077 of 723,724 alleles (5.5%); highest among the groups gnomAD compares: Non-Finnish European, 6.6%; 1,388 homozygotes.

Submissions (16):

GeneDx
Classification: Benign. Last evaluated: 2018-06-16. Review status: criteria provided, single submitter. Criteria: GeneDx Variant Classification (06012015). Collection method: clinical testing. Allele origin: germline. Affected: yes.
Comment: This variant is considered likely benign or benign based on one or more of the following criteria: it is a conservative change, it occurs at a poorly conserved position in the protein, it is predicted to be benign by multiple in silico algorithms, and/or has population frequency not consistent with disease.

Dr. Peter K. Rogan Lab, Western University
No classification provided (evidence only). Condition: Lung cancer. Review status: no classification provided. Collection method: in vitro. Allele origin: not applicable. Functional consequence: retained intron. Not counted in ClinVar's aggregate classification.

Dr. Peter K. Rogan Lab, Western University
No classification provided (evidence only). Condition: Acute myeloid leukemia. Review status: no classification provided. Collection method: in vitro. Allele origin: not applicable. Functional consequence: retained intron. Not counted in ClinVar's aggregate classification.

Dr. Peter K. Rogan Lab, Western University
No classification provided (evidence only). Condition: Acute myeloid leukemia. Review status: no classification provided. Collection method: in vitro. Allele origin: not applicable. Functional consequence: retained intron. Not counted in ClinVar's aggregate classification.

Dr. Peter K. Rogan Lab, Western University
No classification provided (evidence only). Condition: Thymoma. Review status: no classification provided. Collection method: in vitro. Allele origin: not applicable. Functional consequence: retained intron. Not counted in ClinVar's aggregate classification.

Dr. Peter K. Rogan Lab, Western University
No classification provided (evidence only). Condition: Thymoma. Review status: no classification provided. Collection method: in vitro. Allele origin: not applicable. Functional consequence: retained intron. Not counted in ClinVar's aggregate classification.

Dr. Peter K. Rogan Lab, Western University
No classification provided (evidence only). Condition: Thymoma. Review status: no classification provided. Collection method: in vitro. Allele origin: not applicable. Functional consequence: retained intron. Not counted in ClinVar's aggregate classification.

Dr. Peter K. Rogan Lab, Western University
No classification provided (evidence only). Condition: Thymoma. Review status: no classification provided. Collection method: in vitro. Allele origin: not applicable. Functional consequence: retained intron. Not counted in ClinVar's aggregate classification.

Dr. Peter K. Rogan Lab, Western University
No classification provided (evidence only). Condition: Thymoma. Review status: no classification provided. Collection method: in vitro. Allele origin: not applicable. Functional consequence: retained intron. Not counted in ClinVar's aggregate classification.

Dr. Peter K. Rogan Lab, Western University
No classification provided (evidence only). Condition: Cholangiocarcinoma. Review status: no classification provided. Collection method: in vitro. Allele origin: not applicable. Functional consequence: retained intron. Not counted in ClinVar's aggregate classification.

Dr. Peter K. Rogan Lab, Western University
No classification provided (evidence only). Condition: Nonpapillary renal cell carcinoma. Review status: no classification provided. Collection method: in vitro. Allele origin: not applicable. Functional consequence: retained intron. Not counted in ClinVar's aggregate classification.

Dr. Peter K. Rogan Lab, Western University
No classification provided (evidence only). Condition: Familial pancreatic carcinoma. Review status: no classification provided. Collection method: in vitro. Allele origin: not applicable. Functional consequence: retained intron. Not counted in ClinVar's aggregate classification.

Dr. Peter K. Rogan Lab, Western University
No classification provided (evidence only). Condition: Familial pancreatic carcinoma. Review status: no classification provided. Collection method: in vitro. Allele origin: not applicable. Functional consequence: retained intron. Not counted in ClinVar's aggregate classification.

Dr. Peter K. Rogan Lab, Western University
No classification provided (evidence only). Condition: Familial pancreatic carcinoma. Review status: no classification provided. Collection method: in vitro. Allele origin: not applicable. Functional consequence: retained intron. Not counted in ClinVar's aggregate classification.

Dr. Peter K. Rogan Lab, Western University
No classification provided (evidence only). Condition: Lymphoma. Review status: no classification provided. Collection method: in vitro. Allele origin: not applicable. Functional consequence: retained intron. Not counted in ClinVar's aggregate classification.

Dr. Peter K. Rogan Lab, Western University
No classification provided (evidence only). Condition: Ovarian cancer. Review status: no classification provided. Collection method: in vitro. Allele origin: not applicable. Functional consequence: retained intron. Not counted in ClinVar's aggregate classification.